The following is an entry in ClinVar:

ClinVar aggregate classification (germline): Uncertain significance (1 of 4 stars; one submission).

Submission:

Labcorp Genetics (formerly Invitae), Labcorp
Classification: Uncertain significance. Last evaluated: 2024-11-03. Review status: criteria provided, single submitter. Criteria: Invitae Variant Classification Sherloc (09022015). Collection method: clinical testing. Allele origin: germline.
Comment: This sequence change replaces glutamic acid, which is acidic and polar, with glutamine, which is neutral and polar, at codon 848 of the AP3D1 protein (p.Glu848Gln). This variant is not present in population databases (gnomAD no frequency). This variant has not been reported in the literature in individuals affected with AP3D1-related conditions. An algorithm developed to predict the effect of missense changes on protein structure and function (PolyPhen-2) suggests that this variant is likely to be tolerated. In summary, the available evidence is currently insufficient to determine the role of this variant in disease. Therefore, it has been classified as a Variant of Uncertain Significance.

NM_001261826.3(AP3D1):c.2542G>C (p.Glu848Gln)

Gene: AP3D1 (adaptor related protein complex 3 subunit delta 1; minus strand). Cytogenetic location: 19p13.3.
Variant type: single nucleotide variant.
Coding change: c.2542G>C on transcript NM_001261826.3 (MANE Select); coding-DNA position 2542, G replaced by C.
Protein change: p.Glu848Gln; replaces glutamic acid 848 with glutamine.
Molecular consequence: missense variant.
Genome position (GRCh38, 1-based): chr19:2,114,184, C>G on the plus strand (G>C on the coding strand, the complement: AP3D1 is on the minus strand). VCF-style: chr19-2114184-C-G. GRCh37 (hg19) VCF-style: chr19-2114183-C-G.
Other names: c.2542G>C, p.Glu848Gln (NM_001374799.1, NM_003938.8); short protein forms E848Q.
Identifiers: ClinVar variation 3724566 (VCV003724566.2).
Genomic context (GRCh38, chr19:2,114,184, plus strand): 5'-CCTTCTTCTCCTTCTCCTTCTTCTTCTCCTTGTCTCTCTCTTTCTCTTTGTGTTTTTTCT[C>G]TTTCTTCTTGGGTTTCTTGCTCTTCTTTTCTACCATGGGAACGTCCTTCTCAGGGGATTT-3'
Protein context (NP_001248755.1, residues 838-858): EKKSKKPKKK[Glu848Gln]KKHKEKERDK